The following is an entry in ClinVar:

NM_000303.3(PMM2):c.*136A>C

Gene: PMM2 (phosphomannomutase 2; plus strand). Cytogenetic location: 16p13.2.
Variant type: single nucleotide variant.
Coding change: c.*136A>C on transcript NM_000303.3 (MANE Select); 136 bases downstream of the stop codon, A replaced by C.
Molecular consequence: 3 prime UTR variant.
Genome position (GRCh38, 1-based): chr16:8,847,961, A>C. VCF-style: chr16-8847961-A-C. GRCh37 (hg19) VCF-style: chr16-8941818-A-C.
Identifiers: ClinVar variation 321229 (VCV000321229.11), dbSNP rs2075827, ClinGen allele CA10649248.

ClinVar aggregate classification (germline): Benign. Review status: criteria provided, multiple submitters, no conflicts (2 of 4 stars). 4 submissions from 4 submitters: Benign (4). Last evaluated 2021-07-10.

Conditions:
PMM2-congenital disorder of glycosylation. Also called: CDG Ia; JAEKEN SYNDROME; PHOSPHOMANNOMUTASE 2 DEFICIENCY; Congenital disorder of glycosylation, type Ia; CARBOHYDRATE-DEFICIENT GLYCOPROTEIN SYNDROME, TYPE Ia; PMM2-CDG. Identifiers: Orphanet 79318, MedGen C0349653, MONDO:0008907, OMIM 212065.

Allele frequency attached by ClinVar (database versions not stated): TOPMed 0.23968; gnomAD 0.24978 and 0.25288; 1000 Genomes Project 30x 0.25500; 1000 Genomes Project 0.25899; gnomAD exomes 0.26901.

Submissions (4):

Genome-Nilou Lab
Classification: Benign for PMM2-congenital disorder of glycosylation. Last evaluated: 2021-07-10. Review status: criteria provided, single submitter. Criteria: ACMG Guidelines, 2015. Collection method: clinical testing. Allele origin: germline. Affected: no.

GeneDx
Classification: Benign. Last evaluated: 2018-06-29. Review status: criteria provided, single submitter. Criteria: GeneDx Variant Classification Process June 2021. Collection method: clinical testing. Allele origin: germline. Affected: yes.

Illumina Laboratory Services, Illumina
Classification: Benign for PMM2-congenital disorder of glycosylation. Last evaluated: 2018-01-12. Review status: criteria provided, single submitter. Criteria: ICSL Variant Classification Criteria 13 December 2019. Collection method: clinical testing. Allele origin: germline.
Comment: This variant was observed in the ICSL laboratory as part of a predisposition screen in an ostensibly healthy population. It had not been previously curated by ICSL or reported in the Human Gene Mutation Database (HGMD: prior to June 1st, 2018), and was therefore a candidate for classification through an automated scoring system. Utilizing variant allele frequency, disease prevalence and penetrance estimates, and inheritance mode, an automated score was calculated to assess if this variant is too frequent to cause the disease. Based on the score and internal cut-off values, a variant classified as benign is not then subjected to further curation. The score for this variant resulted in a classification of benign for this disease.

Breakthrough Genomics
Classification: Benign. Review status: criteria provided, single submitter. Criteria: ACMG Guidelines, 2015. Collection method: not provided. Allele origin: germline. Inheritance: Autosomal recessive inheritance. Affected: yes.